The following is an entry in ClinVar:

ClinVar aggregate classification (germline): Benign. Review status: criteria provided, multiple submitters, no conflicts (2 of 4 stars). 3 submissions from 3 submitters: Benign (3). Last evaluated 2024-07-15.

Conditions:
Progressive sclerosing poliodystrophy (MTDPS4A). Also called: Alpers-Huttenlocher Syndrome (AHS); Alpers Syndrome; ALPERS PROGRESSIVE INFANTILE POLIODYSTROPHY; Mitochondrial DNA depletion syndrome 4A (Alpers type); ALPERS DIFFUSE DEGENERATION OF CEREBRAL GRAY MATTER WITH HEPATIC CIRRHOSIS; Alpers-Huttenlocher Syndrome. Identifiers: Orphanet 726, MedGen C0205710, MONDO:0008758, OMIM 203700.

Submissions (3):

Unidad de Genómica Garrahan, Hospital de Pediatría Garrahan
Classification: Benign. Last evaluated: 2024-07-15. Review status: criteria provided, single submitter. Criteria: ACMG Guidelines, 2015. Collection method: clinical testing. Allele origin: germline. Affected: no. Observed: 56 variant alleles.
Comment: This variant is classified as Benign based on local population frequency. This variant was detected in 60% of patients studied in a panel designed for Epileptic and Developmental Encephalopathy and Progressive Myoclonus Epilepsy. Number of patients: 56. Only high quality variants are reported.

Wong Mito Lab, Molecular and Human Genetics, Baylor College of Medicine
Classification: Benign for Progressive sclerosing poliodystrophy. Last evaluated: 2018-10-01. Review status: criteria provided, single submitter. Criteria: ACMG Guidelines, 2015. Collection method: clinical testing. Allele origin: germline.
Comment: The NM_002693.2:c.2734+39_2734+40insGTAG (NP_002684.1:p.=) [GRCH38: NC_000015.10:g.89321087_89321088insACCT] variant in POLG gene is interpretated to be a Benign based on ACMG guidelines (PMID: 25741868). This variant meets the following evidence codes reported in the ACMG-guideline. BA1:Minor allele frequency is too high for the Mitochondrial DNA depletion syndrome 4A (Alpers type). BP4:Computational evidence/predictors indicate no impact on the POLG structure, function, or protein-protein interaction. Based on the evidence criteria codes applied, the variant is suggested to be Benign.

GeneDx
Classification: Benign. Last evaluated: 2015-03-03. Review status: criteria provided, single submitter. Criteria: GeneDx Variant Classification Process June 2021. Collection method: clinical testing. Allele origin: germline. Affected: yes.

NM_002693.3(POLG):c.2734+39_2734+40insAGGT

Gene: POLG (DNA polymerase gamma, catalytic subunit; minus strand). Cytogenetic location: 15q26.1.
Variant type: Insertion.
Coding change: c.2734+39_2734+40insAGGT on transcript NM_002693.3 (MANE Select); bases 39 to 40 of the intron after coding-DNA position 2734, AGGT inserted.
Molecular consequence: intron variant.
Genome position: GRCh38 VCF-style: chr15-89321085-G-GCTAC. GRCh37 (hg19) VCF-style: chr15-89864316-G-GCTAC.
Other names: c.2734+39_2734+40insAGGT (NM_001126131.2).
Identifiers: ClinVar variation 619386 (VCV000619386.6), dbSNP rs2307433, ClinGen allele CA7724368.
Genomic context (GRCh38, chr15:89,321,085, plus strand): 5'-CAGGAGTGAGAAAAGCAGCTCAGGAACATTCTGCCCAATGTTCATCAGAACTGTCAATAT[G>GCTAC]CTGAGGGGCTGGGCTGCCCCAACCCCGGCTCCTGCTCACCATGCATGCCGGCAAAGTGGG-3'